The following is an entry in ClinVar:

NM_201384.3(PLEC):c.751A>G (p.Ile251Val)

Gene: PLEC (plectin; minus strand). Cytogenetic location: 8q24.3.
Variant type: single nucleotide variant.
Coding change: c.751A>G on transcript NM_201384.3 (MANE Select); coding-DNA position 751, A replaced by G.
Protein change: p.Ile251Val; replaces isoleucine 251 with valine.
Molecular consequence: missense variant.
Genome position (GRCh38, 1-based): chr8:143,935,085, T>C on the plus strand (A>G on the coding strand, the complement: PLEC is on the minus strand). VCF-style: chr8-143935085-T-C. GRCh37 (hg19) VCF-style: chr8-145009253-T-C.
Other names: c.832A>G, p.Ile278Val (NM_000445.5, NM_001410941.1); c.709A>G, p.Ile237Val (NM_201378.4); c.685A>G, p.Ile229Val (NM_201379.3); c.1162A>G, p.Ile388Val (NM_201380.4); c.655A>G, p.Ile219Val (NM_201381.3); c.751A>G, p.Ile251Val (NM_201382.4); c.763A>G, p.Ile255Val (NM_201383.3); short protein forms I229V, I219V, I237V, I251V, I255V, I278V, I388V.
Identifiers: ClinVar variation 4792987 (VCV004792987.1).

ClinVar aggregate classification (germline): Uncertain significance (1 of 4 stars; one submission).

Conditions:
Epidermolysis bullosa simplex 5B, with muscular dystrophy (EBS5B). Also called: EPIDERMOLYSIS BULLOSA SIMPLEX AND LIMB-GIRDLE MUSCULAR DYSTROPHY; Epidermolysis bullosa simplex with muscular dystrophy. Identifiers: Orphanet 257, MedGen C2931072, MONDO:0009181, OMIM 226670.
Epidermolysis bullosa simplex, Ogna type (EBS5A). Also called: Pidermolysis bullosa simplex 5A, Ogna type; EPIDERMOLYSIS BULLOSA SIMPLEX 5A, OGNA TYPE. Identifiers: Orphanet 79401, MedGen C0432317, MONDO:0007555, OMIM 131950.
Epidermolysis bullosa simplex 5C, with pyloric atresia (EBS5C). Also called: Epidermolysis bullosa simplex with pyloric atresia; PLEC-Related Epidermolysis Bullosa with Pyloric Atresia; PLEC1-Related Epidermolysis Bullosa with Pyloric Atresia. Identifiers: Orphanet 158684, MedGen C2677349, MONDO:0012807, OMIM 612138.
Autosomal recessive limb-girdle muscular dystrophy type 2Q (LGMDR17). Also called: MUSCULAR DYSTROPHY, LIMB-GIRDLE, AUTOSOMAL RECESSIVE 17. Identifiers: Orphanet 254361, MedGen C3150989, MONDO:0013390, OMIM 613723.
Epidermolysis bullosa simplex with nail dystrophy (EBS5D). Identifiers: MedGen C4225309, MONDO:0014661, OMIM 616487.

gnomAD v4.1: 3 of 1,612,944 alleles (0.00019%); highest among the groups gnomAD compares: Admixed American, 0.0017%; no homozygotes.

Submission:

Labcorp Genetics (formerly Invitae), Labcorp
Classification: Uncertain significance for Autosomal recessive limb-girdle muscular dystrophy type 2Q; Epidermolysis bullosa simplex, Ogna type; Epidermolysis bullosa simplex with nail dystrophy; Epidermolysis bullosa simplex 5C, with pyloric atresia; Epidermolysis bullosa simplex 5B, with muscular dystrophy. Last evaluated: 2026-02-01. Review status: criteria provided, single submitter. Criteria: Invitae Variant Classification Sherloc (09022015). Collection method: clinical testing. Allele origin: germline.
Comment: This sequence change replaces isoleucine, which is neutral and non-polar, with valine, which is neutral and non-polar, at codon 278 of the PLEC protein (p.Ile278Val). This variant is present in population databases (rs782617277, gnomAD 0.002%). This variant has not been reported in the literature in individuals affected with PLEC-related conditions. Experimental studies and prediction algorithms are not available or were not evaluated, and the functional significance of this variant is currently unknown. In summary, the available evidence is currently insufficient to determine the role of this variant in disease. Therefore, it has been classified as a Variant of Uncertain Significance.